The following is an entry in ClinVar:

ClinVar aggregate classification (germline): Likely benign. Review status: criteria provided, multiple submitters, no conflicts (2 of 4 stars). 2 submissions from 2 submitters: Likely benign (2). Last evaluated 2026-06-01.

Allele frequency attached by ClinVar (database versions not stated): ExAC 0.00023; 1000 Genomes Project 0.00040; gnomAD exomes 0.00040.

Submissions (2):

CeGaT Center for Human Genetics Tuebingen
Classification: Likely benign. Last evaluated: 2026-06-01. Review status: criteria provided, single submitter. Criteria: CeGaT Center For Human Genetics Tuebingen Variant Classification Criteria Version 2. Collection method: clinical testing. Allele origin: germline. Affected: yes. Observed: 2 variant alleles.
Comment: IRF2BPL: BP4, BS1

Blueprint Genetics
Classification: Likely benign. Last evaluated: 2024-04-15. Review status: criteria provided, single submitter. Criteria: ACMG Guidelines, 2015. Collection method: clinical testing. Allele origin: germline.

NM_024496.4(IRF2BPL):c.282A>G (p.Ala94=)

Genes: IRF2BPL (interferon regulatory factor 2 binding protein like; minus strand), LOC107984638 (uncharacterized LOC107984638; plus strand). Cytogenetic location: 14q24.3.
Variant type: single nucleotide variant.
Coding change: c.282A>G on transcript NM_024496.4 (MANE Select); coding-DNA position 282, A replaced by G.
Protein change: p.Ala94=; no amino-acid change (alanine 94 retained).
Molecular consequence: synonymous variant.
Genome position (GRCh38, 1-based): chr14:77,027,511, T>C on the plus strand (A>G on the coding strand, the complement: IRF2BPL is on the minus strand). VCF-style: chr14-77027511-T-C. GRCh37 (hg19) VCF-style: chr14-77493854-T-C.
Identifiers: ClinVar variation 2644421 (VCV002644421.25), dbSNP rs564923549, ClinGen allele CA7284049.